The following is an entry in ClinVar:

ClinVar aggregate classification (germline): Likely benign (1 of 4 stars; one submission).

Allele frequency attached by ClinVar (database versions not stated): TOPMed 0.00008; gnomAD 0.00011; gnomAD exomes 0.00016.
gnomAD v4.1: 55 of 398,648 alleles (0.014%); highest among the groups gnomAD compares: Middle Eastern, 0.13%; no homozygotes.

Submission:

CeGaT Center for Human Genetics Tuebingen
Classification: Likely benign. Last evaluated: 2024-12-01. Review status: criteria provided, single submitter. Criteria: CeGaT Center For Human Genetics Tuebingen Variant Classification Criteria Version 2. Collection method: clinical testing. Allele origin: germline. Affected: yes. Observed: 3 variant alleles.
Comment: CSNK2A1: BP4, BP7

NM_177559.3(CSNK2A1):c.213+1449T>C

Gene: CSNK2A1 (casein kinase 2 alpha 1; minus strand). Cytogenetic location: 20p13.
Variant type: single nucleotide variant.
Coding change: c.213+1449T>C on transcript NM_177559.3 (MANE Select); 1449 bases into the intron after coding-DNA position 213, T replaced by C.
Molecular consequence: intron variant.
Genome position (GRCh38, 1-based): chr20:503,669, A>G on the plus strand (T>C on the coding strand, the complement: CSNK2A1 is on the minus strand). VCF-style: chr20-503669-A-G. GRCh37 (hg19) VCF-style: chr20-484313-A-G.
Other names: c.-196+1449T>C (NM_177560.3); c.213+1449T>C (NM_001362771.2, NM_001895.4, NM_001362770.2).
Identifiers: ClinVar variation 2652132 (VCV002652132.24), dbSNP rs768292992, ClinGen allele CA310641512.